The following is an entry in ClinVar:

ClinVar aggregate classification (germline): Uncertain significance. Review status: criteria provided, multiple submitters, no conflicts (2 of 4 stars). 2 submissions from 2 submitters: Uncertain significance (2). Last evaluated 2025-11-16.

Conditions:
Hereditary cancer-predisposing syndrome. Also called: Neoplastic Syndromes, Hereditary; Tumor predisposition; Hereditary neoplastic syndrome; Hereditary Cancer Syndrome. Identifiers: Orphanet 140162, MedGen C0027672, MeSH D009386, MONDO:0015356.

Submissions (2):

Ambry Genetics
Classification: Uncertain significance for Hereditary cancer-predisposing syndrome. Last evaluated: 2025-11-16. Review status: criteria provided, single submitter. Criteria: Ambry Variant Classification Scheme 2023. Collection method: clinical testing. Allele origin: germline.
Comment: The p.L519V variant (also known as c.1555C>G), located in coding exon 10 of the MSH3 gene, results from a C to G substitution at nucleotide position 1555. The leucine at codon 519 is replaced by valine, an amino acid with highly similar properties. This amino acid position is conserved. In addition, the in silico prediction for this alteration is inconclusive. Based on the available evidence, the clinical significance of this variant remains unclear.

Labcorp Genetics (formerly Invitae), Labcorp
Classification: Uncertain significance. Last evaluated: 2021-10-05. Review status: criteria provided, single submitter. Criteria: Invitae Variant Classification Sherloc (09022015). Collection method: clinical testing. Allele origin: germline.
Comment: This sequence change replaces leucine with valine at codon 519 of the MSH3 protein (p.Leu519Val). The leucine residue is moderately conserved and there is a small physicochemical difference between leucine and valine. In summary, the available evidence is currently insufficient to determine the role of this variant in disease. Therefore, it has been classified as a Variant of Uncertain Significance. Algorithms developed to predict the effect of missense changes on protein structure and function are either unavailable or do not agree on the potential impact of this missense change (SIFT: "Tolerated"; PolyPhen-2: "Probably Damaging"; Align-GVGD: "Class C0"). This variant has not been reported in the literature in individuals affected with MSH3-related conditions. This variant is not present in population databases (ExAC no frequency).

NM_002439.5(MSH3):c.1555C>G (p.Leu519Val)

Gene: MSH3 (mutS homolog 3; plus strand). Cytogenetic location: 5q14.1.
Variant type: single nucleotide variant.
Coding change: c.1555C>G on transcript NM_002439.5 (MANE Select); coding-DNA position 1555, C replaced by G.
Protein change: p.Leu519Val; replaces leucine 519 with valine.
Molecular consequence: missense variant.
Genome position (GRCh38, 1-based): chr5:80,728,952, C>G. VCF-style: chr5-80728952-C-G. GRCh37 (hg19) VCF-style: chr5-80024771-C-G.
Other names: c.1555C>G (NM_002439.3); short protein forms L519V.
Identifiers: ClinVar variation 1371216 (VCV001371216.7), dbSNP rs2112857966, ClinGen allele CA360274365.
Genomic context (GRCh38, chr5:80,728,952, plus strand): 5'-GTGATTTGCTCTTTGGCTGCCATCATAAAATACCTCAAAGAATTCAACTTGGAAAAGATG[C>G]TCTCCAAACCTGAGTAAGTGATTCCTCCAAAATTAAAAAAAGGGGGAGCTTATATTATGA-3'
Protein context (NP_002430.3, residues 509-529): YLKEFNLEKM[Leu519Val]SKPENFKQLS